The following is an entry in ClinVar:

ClinVar aggregate classification (germline): Likely benign. Review status: criteria provided, multiple submitters, no conflicts (2 of 4 stars). 2 submissions from 2 submitters: Likely benign (2). Last evaluated 2023-03-18.

Allele frequency attached by ClinVar (database versions not stated): gnomAD exomes 0.00001 and 0.00002; TOPMed 0.00001; ExAC 0.00002; gnomAD 0.00002.
gnomAD v4.1: 24 of 1,613,980 alleles (0.0015%); highest among the groups gnomAD compares: Middle Eastern, 0.033%; no homozygotes.

Submissions (2):

Labcorp Genetics (formerly Invitae), Labcorp
Classification: Likely benign. Last evaluated: 2023-03-18. Review status: criteria provided, single submitter. Criteria: Invitae Variant Classification Sherloc (09022015). Collection method: clinical testing. Allele origin: germline.

GeneDx
Classification: Likely benign. Last evaluated: 2018-01-15. Review status: criteria provided, single submitter. Criteria: GeneDx Variant Classification (06012015). Collection method: clinical testing. Allele origin: germline. Affected: yes.
Comment: This variant is considered likely benign or benign based on one or more of the following criteria: it is a conservative change, it occurs at a poorly conserved position in the protein, it is predicted to be benign by multiple in silico algorithms, and/or has population frequency not consistent with disease.

NM_006420.3(ARFGEF2):c.291C>T (p.Tyr97=)

Gene: ARFGEF2 (ARF guanine nucleotide exchange factor 2; plus strand). Cytogenetic location: 20q13.13.
Variant type: single nucleotide variant.
Coding change: c.291C>T on transcript NM_006420.3 (MANE Select); coding-DNA position 291, C replaced by T.
Protein change: p.Tyr97=; no amino-acid change (tyrosine 97 retained).
Molecular consequence: synonymous variant.
Genome position (GRCh38, 1-based): chr20:48,951,337, C>T. VCF-style: chr20-48951337-C-T. GRCh37 (hg19) VCF-style: chr20-47567874-C-T.
Identifiers: ClinVar variation 514504 (VCV000514504.4), dbSNP rs752428295, ClinGen allele CA9898124.